The following is an entry in ClinVar:

NM_032520.4(GNPTG):c.499dup (p.Leu167Profs)

Gene: GNPTG (N-acetylglucosamine-1-phosphate transferase subunit gamma; plus strand). Cytogenetic location: 16p13.3.
Variant type: Duplication.
Coding change: c.499dup on transcript NM_032520.4; coding-DNA position 499, one base duplicated (C; older notation c.499dupC).
Protein change: p.Leu167Profs; shifts the reading frame from leucine 167.
Molecular consequence: frameshift variant (on NM_032520.5).
Genome position (GRCh38, 1-based): chr16:1,362,293, C duplicated; the last of 6 consecutive C bases (chr16:1,362,288-1,362,293); duplicating any one gives the same sequence. VCF-style (leftmost placement, unchanged base first): chr16-1362287-A-AC. GRCh37 (hg19) VCF-style: chr16-1412288-A-AC.
Other names: c.494dupC (NM_032520.4); c.499dupC (NM_032520.5, NM_032520.4); c.499dup, p.Leu167fs (NM_032520.5); short protein forms L167fs.
Identifiers: ClinVar variation 437454 (VCV000437454.23), dbSNP rs756959430, ClinGen allele CA7807732.

ClinVar aggregate classification (germline): Pathogenic. Review status: criteria provided, multiple submitters, no conflicts (2 of 4 stars). 10 submissions from 10 submitters: Pathogenic (8). 2 of the submissions do not count toward it. Last evaluated 2025-10-03.

Conditions:
GNPTG-related disorder. Also called: GNPTG-related condition.
GNPTG-mucolipidosis. Also called: MUCOLIPIDOSIS III, COMPLEMENTATION GROUP C; MUCOLIPIDOSIS III, IRANIAN VARIANT FORM; MUCOLIPIDOSIS III, VARIANT FORM; Mucolipidosis type III gamma; ML III GAMMA; ML IIIC. Identifiers: Orphanet 423470, Orphanet 577, MedGen C1854896, MONDO:0009652, OMIM 252605.

Submissions (10):

Labcorp Genetics (formerly Invitae), Labcorp
Classification: Pathogenic. Last evaluated: 2025-10-03. Review status: criteria provided, single submitter. Criteria: Invitae Variant Classification Sherloc (09022015). Collection method: clinical testing. Allele origin: germline.
Comment: This sequence change creates a premature translational stop signal (p.Leu167Profs*32) in the GNPTG gene. It is expected to result in an absent or disrupted protein product. Loss-of-function variants in GNPTG are known to be pathogenic (PMID: 19370764, 20301784). This variant is present in population databases (rs756959430, gnomAD 0.008%). This premature translational stop signal has been observed in individuals with mucolipidosis III (PMID: 29170090). ClinVar contains an entry for this variant (Variation ID: 437454). For these reasons, this variant has been classified as Pathogenic.

Natera, Inc.
Classification: Pathogenic for Mucolipidosis III gamma. Last evaluated: 2025-01-05. Review status: criteria provided, single submitter. Criteria: Natera Variant Classification Schema (03/2026). Collection method: clinical testing. Allele origin: germline.
Comment: The c.499dupC variant in GNPTG is a frameshift variant predicted to shift the reading frame beginning at codon 167 and leads to a stop codon 32 codons downstream. This variant is expected to result in nonsense mediated decay, truncation, or a dysfunctional protein product. This variant is rare in the general population with a frequency below the threshold expected for the associated phenotype(s). This variant has been observed in one or more individuals affected with the associated recessive disease, as either homozygous or compound heterozygous with a second variant (PMID: 30507725). Additionally, this variant has been observed to segregate in affected family members (PMID: 30507725). Given the available evidence, this variant is classified as Pathogenic.

Blueprint Genetics
Classification: Pathogenic for GNPTG-related disorders. Last evaluated: 2024-07-15. Review status: criteria provided, single submitter. Criteria: ACMG Guidelines, 2015. Collection method: clinical testing. Allele origin: germline. Affected: yes. Observed: 5 variant alleles.

Genome-Nilou Lab
Classification: Pathogenic for GNPTG-mucolipidosis. Last evaluated: 2021-07-22. Review status: criteria provided, single submitter. Criteria: ACMG Guidelines, 2015. Collection method: clinical testing. Allele origin: germline. Affected: no.

Revvity Omics, Revvity
Classification: Pathogenic for GNPTG-mucolipidosis. Last evaluated: 2020-03-21. Review status: criteria provided, single submitter. Criteria: ACMG Guidelines, 2015. Collection method: clinical testing. Allele origin: germline.

Genomic Research Center, Shahid Beheshti University of Medical Sciences
Classification: Pathogenic for Mucolipidosis III Gamma. Last evaluated: 2017-06-18. Review status: criteria provided, single submitter. Criteria: ACMG Guidelines, 2015. Collection method: clinical testing. Allele origin: inherited. Affected: yes. Observed: 1 variant allele.

Kariminejad - Najmabadi Pathology & Genetics Center
Classification: Pathogenic for GNPTG-mucolipidosis. Review status: criteria provided, single submitter. Criteria: ACMG Guidelines, 2015. Collection method: clinical testing. Allele origin: germline. Affected: no.

Neuberg Centre For Genomic Medicine, NCGM
Classification: Pathogenic for GNPTG-mucolipidosis. Review status: criteria provided, single submitter. Criteria: ACMG Guidelines, 2015. Collection method: clinical testing. Allele origin: germline. Inheritance: Autosomal recessive inheritance. Affected: yes.
Comment: The frame shift c.499dupC (p.Leu167Profs32) variant has been reported previously in homozygous state in several individuals affected with mucolipidosis III (Tüysüz B et al.,2017). The p.L167Pfs32 variant is observed in (0.0125%) alleles from individuals of African background in gnomAD Exomes and is novel (not in any individuals) in 1000 Genomes. This variant has been reported to ClinVar database as Pathogenic. This variant is predicted to cause loss of normal protein function through protein truncation. Loss of function variants have been previously reported to be disease causing. For these reasons, this variant has been classified as Pathogenic.

Counsyl
Classification: Pathogenic for GNPTG-mucolipidosis. Last evaluated: 2017-08-01. Review status: no assertion criteria provided. Collection method: clinical testing. Allele origin: unknown. Not counted in ClinVar's aggregate classification.

OMIM
Classification: Pathogenic for MUCOLIPIDOSIS III GAMMA. Last evaluated: 2000-03-01. Review status: no assertion criteria provided. Collection method: literature only. Allele origin: germline. Not counted in ClinVar's aggregate classification.

Literature cited by the submitters: PubMed 19370764 (cited by Labcorp Genetics (formerly Invitae), Labcorp); PubMed 20301784 (cited by Labcorp Genetics (formerly Invitae), Labcorp); PubMed 29170090 (cited by Labcorp Genetics (formerly Invitae), Labcorp); PubMed 30507725 (cited by Natera, Inc.); PubMed 23430803 (cited by Counsyl); PubMed 10712439 (cited by Counsyl and OMIM).